The following is an entry in ClinVar:

ClinVar aggregate classification (germline): Conflicting classifications of pathogenicity. Review status: criteria provided, conflicting classifications (1 of 4 stars). 3 submissions from 3 submitters: Uncertain significance (2); Likely benign (1). Last evaluated 2026-01-23.

Conditions:
Myoglobinuria, acute recurrent, autosomal recessive. Also called: Myoglobinuria, recurrent, autosomal recessive; MYOGLOBINURIA, FAMILIAL PAROXYSMAL PARALYTIC; RHABDOMYOLYSIS, ACUTE RECURRENT. Identifiers: Orphanet 99845, MedGen C1849386, MONDO:0009992, OMIM 268200.

Allele frequency attached by ClinVar (database versions not stated): TOPMed 0.00005; gnomAD exomes 0.00007 and 0.00014; gnomAD 0.00008; ExAC 0.00010.
gnomAD v4.1: 122 of 1,608,458 alleles (0.0076%); highest among the groups gnomAD compares: Non-Finnish European, 0.00085%; no homozygotes.

Submissions (3):

Labcorp Genetics (formerly Invitae), Labcorp
Classification: Likely benign. Last evaluated: 2026-01-23. Review status: criteria provided, single submitter. Criteria: Invitae Variant Classification Sherloc (09022015). Collection method: clinical testing. Allele origin: germline.

Fulgent Genetics
Classification: Uncertain significance for Myoglobinuria, acute recurrent, autosomal recessive. Last evaluated: 2022-03-02. Review status: criteria provided, single submitter. Criteria: ACMG Guidelines, 2015. Collection method: clinical testing. Allele origin: unknown.

Illumina Laboratory Services, Illumina
Classification: Uncertain significance for Myoglobinuria, acute recurrent, autosomal recessive. Last evaluated: 2017-04-27. Review status: criteria provided, single submitter. Criteria: ICSL Variant Classification Criteria 13 December 2019. Collection method: clinical testing. Allele origin: germline.
Comment: This variant was observed as part of a predisposition screen in an ostensibly healthy population. A literature search was performed for the gene, cDNA change, and amino acid change (where applicable). Publications were found based on this search. However, the evidence from the literature, in combination with allele frequency data from public databases where available, was not sufficient to rule this variant in or out of causing disease. Therefore, this variant is classified as a variant of unknown significance.

Literature cited by the submitters: PubMed 18817903 (cited by Illumina Laboratory Services, Illumina).

NM_001349206.2(LPIN1):c.2414A>G (p.Glu805Gly)

Gene: LPIN1 (lipin 1; plus strand). Cytogenetic location: 2p25.1.
Variant type: single nucleotide variant.
Coding change: c.2414A>G on transcript NM_001349206.2 (MANE Select); coding-DNA position 2414, A replaced by G.
Protein change: p.Glu805Gly; replaces glutamic acid 805 with glycine.
Molecular consequence: missense variant. On other transcripts: non-coding transcript variant (1).
Genome position (GRCh38, 1-based): chr2:11,819,495, A>G. VCF-style: chr2-11819495-A-G. GRCh37 (hg19) VCF-style: chr2-11959621-A-G.
Other names: c.2324A>G, p.Glu775Gly (NM_001261427.3); c.2561A>G, p.Glu854Gly (NM_001261428.3); c.2306A>G, p.Glu769Gly (NM_001349199.2, NM_145693.4); c.2384A>G, p.Glu795Gly (NM_001349200.2, NM_001349201.2); c.2411A>G, p.Glu804Gly (NM_001349202.2, NM_001349203.2); c.2414A>G, p.Glu805Gly (NM_001349204.2, NM_001349205.2); c.2504A>G, p.Glu835Gly (NM_001349207.2); c.2453A>G, p.Glu818Gly (NM_001349208.2); short protein forms E805G, E818G, E769G, E775G, E854G, E804G, E835G, E795G.
Identifiers: ClinVar variation 893280 (VCV000893280.8), dbSNP rs771205777, ClinGen allele CA1534103.